The following is an entry in ClinVar:

ClinVar aggregate classification (germline): Likely pathogenic. Review status: criteria provided, single submitter (1 of 4 stars). 2 submissions from 2 submitters: Likely pathogenic (1). 1 of the submissions does not count toward it. Last evaluated 2024-01-09.

Conditions:
X-linked agammaglobulinemia (XLA). Also called: Agammaglobulinemia, Bruton tyrosine kinase; Agammaglobulinemia, BTK; BTK-deficiency; Bruton-type agammaglobulinemia; Bruton's agammaglobulinemia; AGAMMAGLOBULINEMIA, X-LINKED, TYPE 1. Identifiers: Orphanet 229717, Orphanet 47, MedGen C0221026, MONDO:0010421, OMIM 300755.

Submissions (2):

Department of Human Genetics, Hannover Medical School
Classification: Likely pathogenic for X-linked agammaglobulinemia. Last evaluated: 2024-01-09. Review status: criteria provided, single submitter. Criteria: ACMG Guidelines, 2015. Collection method: clinical testing. Allele origin: germline. Affected: yes.

Immunodeficiencies, Instituto Nacional de Pediatria
Classification: Pathogenic for X-linked agammaglobulinemia. Last evaluated: 2021-08-02. Review status: no assertion criteria provided. Collection method: clinical testing. Allele origin: germline. Inheritance: X-linked recessive inheritance. Affected: yes. Observed: 1 hemizygote. Not counted in ClinVar's aggregate classification.
Comment: This variant is associated with X-linked Agammaglobulinemia.

NM_000061.3(BTK):c.829G>T (p.Glu277Ter)

Gene: BTK (Bruton tyrosine kinase; minus strand). Cytogenetic location: Xq22.1.
Variant type: single nucleotide variant.
Coding change: c.829G>T on transcript NM_000061.3 (MANE Select); coding-DNA position 829, G replaced by T.
Protein change: p.Glu277Ter; replaces glutamic acid 277 with a stop codon.
Molecular consequence: nonsense.
Genome position (GRCh38, 1-based): chrX:101,360,098, C>A on the plus strand (G>T on the coding strand, the complement: BTK is on the minus strand). VCF-style: chrX-101360098-C-A. GRCh37 (hg19) VCF-style: chrX-100615086-C-A.
Other names: c.931G>T, p.Glu311Ter (NM_001287344.2); c.829G>T, p.Glu277Ter (NM_001287345.2); short protein forms E277*, E311*.
Identifiers: ClinVar variation 1335900 (VCV001335900.3), dbSNP rs868983143, ClinGen allele CA413930819.
Genomic context (GRCh38, chrX:101,360,098, plus strand): 5'-AGAGAGAGAGTTCCTCCTGGAAGATTGTGGACTGACATAAACATACTTACTCATACATTT[C>A]TATGGAGTCTTCTGCTTCAGTGACATAGTTACTAGGAATGTAGCCTTCCTGCCTGTGAAG-3'